The following is an entry in ClinVar:

NM_001035.3(RYR2):c.11888G>A (p.Ser3963Asn)

Gene: RYR2 (ryanodine receptor 2; plus strand). Cytogenetic location: 1q43.
Variant type: single nucleotide variant.
Coding change: c.11888G>A on transcript NM_001035.3 (MANE Select); coding-DNA position 11888, G replaced by A.
Protein change: p.Ser3963Asn; replaces serine 3963 with asparagine.
Molecular consequence: missense variant.
Genome position (GRCh38, 1-based): chr1:237,781,572, G>A. VCF-style: chr1-237781572-G-A. GRCh37 (hg19) VCF-style: chr1-237944872-G-A.
Other names: short protein forms S3963N.
Identifiers: ClinVar variation 3385850 (VCV003385850.1).

ClinVar aggregate classification (germline): Uncertain significance (1 of 4 stars; one submission).

Conditions:
Catecholaminergic polymorphic ventricular tachycardia (CVPT). Also called: Catecholamine-induced polymorphic ventricular tachycardia. Identifiers: Orphanet 3286, MedGen C5574922, MONDO:0017990.

Submission:

All of Us Research Program, National Institutes of Health
Classification: Uncertain significance for Catecholaminergic polymorphic ventricular tachycardia. Last evaluated: 2024-06-11. Review status: criteria provided, single submitter. Criteria: ACMG Guidelines, 2015. Collection method: clinical testing. Allele origin: germline. Inheritance: Autosomal dominant inheritance. Observed: 1 variant allele, 1 heterozygote.
Comment: This study involves interpretation of variants in research participants for the purpose of population health screening. Participant phenotype was not available at the time of variant classification. Additional details can be found in publication PMID: 35346344, PMCID: PMC8962531